The following is an entry in ClinVar:

NM_000827.4(GRIA1):c.220T>C (p.Phe74Leu)

Gene: GRIA1 (glutamate ionotropic receptor AMPA type subunit 1; plus strand). Cytogenetic location: 5q33.2.
Variant type: single nucleotide variant.
Coding change: c.220T>C on transcript NM_000827.4 (MANE Select); coding-DNA position 220, T replaced by C.
Protein change: p.Phe74Leu; replaces phenylalanine 74 with leucine.
Molecular consequence: missense variant. On other transcripts: 5 prime UTR variant (1), non-coding transcript variant (1).
Genome position (GRCh38, 1-based): chr5:153,494,065, T>C. VCF-style: chr5-153494065-T-C. GRCh37 (hg19) VCF-style: chr5-152873625-T-C.
Other names: c.-123T>C (NM_001258020.2); c.250T>C, p.Phe84Leu (NM_001258021.2, NM_001258022.2); c.220T>C, p.Phe74Leu (NM_001114183.2, NM_001364165.2); c.220T>C, p.Cys74Arg (NM_001258019.2); c.13T>C, p.Phe5Leu (NM_001258023.1, NM_001364167.2); c.247T>C, p.Phe83Leu (NM_001364166.2); short protein forms C74R, F5L, F74L, F83L, F84L.
Identifiers: ClinVar variation 4685191 (VCV004685191.1).
Genomic context (GRCh38, chr5:153,494,065, plus strand): 5'-AAGCTGCTCCCCCAGATTGATATTGTGAACATCAGCGACAGCTTTGAGATGACCTATAGA[T>C]GTAAGTAATTGCTTCTATTTCTGAGATGTCTTTCTGCGCTAGACCAATGAAAGGAGGGCC-3'
Protein context (NP_000818.2, residues 64-84): ISDSFEMTYR[Phe74Leu]CSQFSKGVYA

ClinVar aggregate classification (germline): Uncertain significance (1 of 4 stars; one submission).

gnomAD v4.1: 1 of 1,613,320 alleles (0.000062%); highest among the groups gnomAD compares: African/African-American, 0.0013%; no homozygotes.

Submission:

GeneDx
Classification: Uncertain significance. Last evaluated: 2025-07-03. Review status: criteria provided, single submitter. Criteria: GeneDx Variant Classification Process June 2021. Collection method: clinical testing. Allele origin: germline. Affected: yes.
Comment: Not observed at significant frequency in large population cohorts (gnomAD); In silico analysis suggests that this missense variant does not alter protein structure/function; Has not been previously published as pathogenic or benign to our knowledge